The following is an entry in ClinVar:

ClinVar aggregate classification (germline): Uncertain significance. Review status: criteria provided, multiple submitters, no conflicts (2 of 4 stars). 3 submissions from 3 submitters: Uncertain significance (3). Last evaluated 2026-04-01.

Conditions:
Autosomal recessive limb-girdle muscular dystrophy type 2E (LGMDR4). Also called: MUSCULAR DYSTROPHY, LIMB-GIRDLE, AUTOSOMAL RECESSIVE 4. Identifiers: Orphanet 119, MedGen C1858593, MONDO:0011423, OMIM 604286. Disease mechanism: Affects gamma-sarcoglycan and also disrupts the integrity of the entire sarcoglycan complex..

Allele frequency attached by ClinVar (database versions not stated): gnomAD 0.00001; gnomAD exomes 0.00005 and 0.00009; ExAC 0.00007.

Submissions (3):

CeGaT Center for Human Genetics Tuebingen
Classification: Uncertain significance. Last evaluated: 2026-04-01. Review status: criteria provided, single submitter. Criteria: CeGaT Center For Human Genetics Tuebingen Variant Classification Criteria Version 2. Collection method: clinical testing. Allele origin: germline. Affected: yes. Observed: 1 variant allele.
Comment: SGCB: PP3

Revvity Omics, Revvity
Classification: Uncertain significance for Autosomal recessive limb-girdle muscular dystrophy type 2E. Last evaluated: 2024-08-30. Review status: criteria provided, single submitter. Criteria: ACMG Guidelines, 2015. Collection method: clinical testing. Allele origin: germline.

Genome-Nilou Lab
Classification: Uncertain significance for Autosomal recessive limb-girdle muscular dystrophy type 2E. Last evaluated: 2021-07-22. Review status: criteria provided, single submitter. Criteria: ACMG Guidelines, 2015. Collection method: clinical testing. Allele origin: germline. Affected: no.

NM_000232.5(SGCB):c.97A>G (p.Asn33Asp)

Gene: SGCB (sarcoglycan beta; minus strand). Cytogenetic location: 4q12.
Variant type: single nucleotide variant.
Coding change: c.97A>G on transcript NM_000232.5 (MANE Select); coding-DNA position 97, A replaced by G.
Protein change: p.Asn33Asp; replaces asparagine 33 with aspartic acid.
Molecular consequence: missense variant.
Genome position (GRCh38, 1-based): chr4:52,033,577, T>C on the plus strand (A>G on the coding strand, the complement: SGCB is on the minus strand). VCF-style: chr4-52033577-T-C. GRCh37 (hg19) VCF-style: chr4-52899743-T-C.
Other names: short protein forms N33D.
Identifiers: ClinVar variation 1209787 (VCV001209787.7), dbSNP rs753684563, ClinGen allele CA2918504.